The following is an entry in ClinVar:

ClinVar aggregate classification (germline): Uncertain significance (1 of 4 stars; one submission).

gnomAD v4.1: 12 of 1,613,692 alleles (0.00074%); highest among the groups gnomAD compares: Non-Finnish European, 0.001%; no homozygotes.

Submission:

Ambry Genetics
Classification: Uncertain significance. Last evaluated: 2025-01-20. Review status: criteria provided, single submitter. Criteria: Ambry Variant Classification Scheme 2023. Collection method: clinical testing. Allele origin: germline.
Comment: The p.F228S variant (also known as c.683T>C), located in coding exon 1 of the MLH3 gene, results from a T to C substitution at nucleotide position 683. The phenylalanine at codon 228 is replaced by serine, an amino acid with highly dissimilar properties. This amino acid position is conserved. In addition, the in silico prediction for this alteration is inconclusive. Based on the available evidence, the clinical significance of this variant remains unclear.

NM_001040108.2(MLH3):c.683T>C (p.Phe228Ser)

Gene: MLH3 (mutL homolog 3; minus strand). Cytogenetic location: 14q24.3.
Variant type: single nucleotide variant.
Coding change: c.683T>C on transcript NM_001040108.2 (MANE Select); coding-DNA position 683, T replaced by C.
Protein change: p.Phe228Ser; replaces phenylalanine 228 with serine.
Molecular consequence: missense variant.
Genome position (GRCh38, 1-based): chr14:75,048,973, A>G on the plus strand (T>C on the coding strand, the complement: MLH3 is on the minus strand). VCF-style: chr14-75048973-A-G. GRCh37 (hg19) VCF-style: chr14-75515676-A-G.
Other names: c.683T>C, p.Phe228Ser (NM_014381.3); short protein forms F228S.
Identifiers: ClinVar variation 3873442 (VCV003873442.1).
Genomic context (GRCh38, chr14:75,048,973, plus strand): 5'-TTCTTGTTGTAATGTGCTTCAGAGCTGATATAGCCACTAAGCTCAAACTCTTTATATTTA[A>G]AACTTATTTCTCTTAGCTTTTGGGACTTTCCCAATCCATAAATTTGACAAAATCGGGAAC-3'
Protein context (NP_001035197.1, residues 218-238): GKSQKLREIS[Phe228Ser]KYKEFELSGY